The following is an entry in ClinVar:

NM_003664.5(AP3B1):c.3154del (p.Ser1052fs)

Gene: AP3B1 (adaptor related protein complex 3 subunit beta 1; minus strand). Cytogenetic location: 5q14.1.
Variant type: Deletion.
Coding change: c.3154del on transcript NM_003664.5 (MANE Select); coding-DNA position 3154, one base deleted (A; older notation c.3154delA).
Protein change: p.Ser1052fs; shifts the reading frame from serine 1052.
Molecular consequence: frameshift variant.
Genome position (GRCh38, 1-based): chr5:78,003,033, T deleted on the plus strand (A on the coding strand, the reverse complement: AP3B1 is on the minus strand). VCF-style (leftmost placement, unchanged base first): chr5-78003032-CT-C. GRCh37 (hg19) VCF-style: chr5-77298856-CT-C.
Other names: c.3007del, p.Ser1003fs (NM_001271769.2); short protein forms S1003fs, S1052fs.
Identifiers: ClinVar variation 2633567 (VCV002633567.1), dbSNP rs1746249107, ClinGen allele CA1077797223.

ClinVar aggregate classification (germline): Likely pathogenic (1 of 4 stars; one submission).

Conditions:
AP3B1-related disorder. Also called: AP3B1-related condition.

Allele frequency attached by ClinVar (database versions not stated): gnomAD 0.00001.

Submission:

PreventionGenetics, part of Exact Sciences
Classification: Likely pathogenic for AP3B1-related condition. Last evaluated: 2023-03-29. Review status: criteria provided, single submitter. Criteria: ACMG Guidelines, 2015. Collection method: clinical testing. Allele origin: germline.
Comment: The AP3B1 c.3154delA variant is predicted to result in a frameshift and premature protein termination (p.Ser1052Valfs*4). To our knowledge, this variant has not been reported in the literature or in a large population database, indicating this variant is rare. Frameshift variants in AP3B1 are expected to be pathogenic. This variant is interpreted as likely pathogenic.